The following is an entry in ClinVar:

NM_001909.5(CTSD):c.1009G>T (p.Ala337Ser)

Gene: CTSD (cathepsin D; minus strand). Cytogenetic location: 11p15.5.
Variant type: single nucleotide variant.
Coding change: c.1009G>T on transcript NM_001909.5 (MANE Select); coding-DNA position 1009, G replaced by T.
Protein change: p.Ala337Ser; replaces alanine 337 with serine.
Molecular consequence: missense variant.
Genome position (GRCh38, 1-based): chr11:1,753,865, C>A on the plus strand (G>T on the coding strand, the complement: CTSD is on the minus strand). VCF-style: chr11-1753865-C-A. GRCh37 (hg19) VCF-style: chr11-1775095-C-A.
Other names: short protein forms A337S.
Identifiers: ClinVar variation 998457 (VCV000998457.9), dbSNP rs147800688, ClinGen allele CA379093272.
Genomic context (GRCh38, chr11:1,753,865, plus strand): 5'-TGAGCGTGTAGTCCTCTGGGGACAGCTTGTAGCCTTTGCCTCCCAGCTTCAGTGTGATCG[C>A]GGGCAGGGTGGACACCTTCTCACAGGGGATCATGTACTAAGAGGGGTCACAGCAGTGTCA-3'
Protein context (NP_001900.1, residues 327-347): IPCEKVSTLP[Ala337Ser]ITLKLGGKGY

ClinVar aggregate classification (germline): Uncertain significance (1 of 4 stars; one submission).

Conditions:
Neuronal ceroid lipofuscinosis. Also called: Neuronal Ceroid Lipofuscinoses. Identifiers: Orphanet 216, Orphanet 79263, MedGen C0027877, MONDO:0016295. Disease mechanism: loss of function.

gnomAD v4.1: 1 of 1,613,600 alleles (0.000062%); no homozygotes.

Submission:

Labcorp Genetics (formerly Invitae), Labcorp
Classification: Uncertain significance for Neuronal ceroid lipofuscinosis. Last evaluated: 2020-01-05. Review status: criteria provided, single submitter. Criteria: Invitae Variant Classification Sherloc (09022015). Collection method: clinical testing. Allele origin: germline.
Comment: In summary, the available evidence is currently insufficient to determine the role of this variant in disease. Therefore, it has been classified as a Variant of Uncertain Significance. Algorithms developed to predict the effect of missense changes on protein structure and function output the following: SIFT: "Tolerated"; PolyPhen-2: "Benign"; Align-GVGD: "Class C0". The serine amino acid residue is found in multiple mammalian species, suggesting that this missense change does not adversely affect protein function. These predictions have not been confirmed by published functional studies and their clinical significance is uncertain. This variant has not been reported in the literature in individuals with CTSD-related conditions. This variant is not present in population databases (ExAC no frequency). This sequence change replaces alanine with serine at codon 337 of the CTSD protein (p.Ala337Ser). The alanine residue is weakly conserved and there is a moderate physicochemical difference between alanine and serine.